The following is an entry in ClinVar:

ClinVar aggregate classification (germline): Conflicting classifications of pathogenicity. Review status: criteria provided, conflicting classifications (1 of 4 stars). 2 submissions from 2 submitters: Uncertain significance (1); Likely benign (1). Last evaluated 2023-08-02.

Conditions:
Intellectual developmental disorder with dysmorphic facies and behavioral abnormalities. Identifiers: MedGen C4748135, MONDO:0060760, OMIM 618089.

Allele frequency attached by ClinVar (database versions not stated): gnomAD exomes below 0.00001; TOPMed below 0.00001.
gnomAD v4.1: 4 of 1,364,130 alleles (0.00029%); highest among the groups gnomAD compares: South Asian, 0.0069%; no homozygotes.

Submissions (2):

Labcorp Genetics (formerly Invitae), Labcorp
Classification: Likely benign. Last evaluated: 2023-08-02. Review status: criteria provided, single submitter. Criteria: Invitae Variant Classification Sherloc (09022015). Collection method: clinical testing. Allele origin: germline.

Baylor Genetics
Classification: Uncertain significance for Intellectual developmental disorder with dysmorphic facies and behavioral abnormalities. Last evaluated: 2019-02-04. Review status: criteria provided, single submitter. Criteria: ACMG Guidelines, 2015. Collection method: clinical testing. Allele origin: unknown. Affected: yes.
Comment: This variant was determined to be of uncertain significance according to ACMG Guidelines, 2015 [PMID:25741868].

NM_001190274.2(FBXO11):c.107C>T (p.Pro36Leu)

Genes: FBXO11 (F-box protein 11; minus strand), LOC100506235 (uncharacterized LOC100506235; plus strand). Cytogenetic location: 2p16.3.
Variant type: single nucleotide variant.
Coding change: c.107C>T on transcript NM_001190274.2 (MANE Select); coding-DNA position 107, C replaced by T.
Protein change: p.Pro36Leu; replaces proline 36 with leucine.
Molecular consequence: missense variant.
Genome position (GRCh38, 1-based): chr2:47,905,614, G>A on the plus strand (C>T on the coding strand, the complement: FBXO11 is on the minus strand). VCF-style: chr2-47905614-G-A. GRCh37 (hg19) VCF-style: chr2-48132753-G-A.
Other names: short protein forms P36L.
Identifiers: ClinVar variation 1031216 (VCV001031216.9), dbSNP rs1412913967, ClinGen allele CA346812775.